The following is an entry in ClinVar:

NM_000231.3(SGCG):c.579-24_579-21del

Gene: SGCG (sarcoglycan gamma; plus strand). Cytogenetic location: 13q12.12.
Variant type: Deletion.
Coding change: c.579-24_579-21del on transcript NM_000231.3 (MANE Select); 24 bases into the intron before coding-DNA position 579 through 21 bases into the intron before coding-DNA position 579, 4 bases deleted (TTGT; older notation c.579-24_579-21delTTGT).
Molecular consequence: intron variant.
Genome position (GRCh38, 1-based): chr13:23,320,613-23,320,616, TTGT deleted; deleting any 4 consecutive bases within chr13:23,320,612-23,320,616 gives the same sequence; the c. name uses the placement nearest the transcript's 3' end. VCF-style (leftmost placement, unchanged base first): chr13-23320611-TTTTG-T. GRCh37 (hg19) VCF-style: chr13-23894750-TTTTG-T.
Other names: c.633-24_633-21del (NM_001378244.1); c.579-24_579-21del (NM_001378245.1, NM_001378246.1).
Identifiers: ClinVar variation 3049107 (VCV003049107.2), dbSNP rs769229095, ClinGen allele CA6909771.

ClinVar aggregate classification (germline): Likely benign (0 of 4 stars; one submission).

Conditions:
SGCG-related disorder. Also called: SGCG-related condition.

Submission:

PreventionGenetics, part of Exact Sciences
Classification: Likely benign for SGCG-related condition. Last evaluated: 2021-03-22. Review status: no assertion criteria provided. Collection method: clinical testing. Allele origin: germline.
Comment: This variant is classified as likely benign based on ACMG/AMP sequence variant interpretation guidelines (Richards et al. 2015 PMID: 25741868, with internal and published modifications).